The following is an entry in ClinVar:

NM_002124.4(HLA-DRB1):c.27C>G (p.Gly9=)

Gene: HLA-DRB1 (major histocompatibility complex, class II, DR beta 1; minus strand). Cytogenetic location: 6p21.32.
Variant type: single nucleotide variant.
Coding change: c.27C>G on transcript NM_002124.4 (MANE Select); coding-DNA position 27, C replaced by G.
Protein change: p.Gly9=; no amino-acid change (glycine 9 retained).
Molecular consequence: synonymous variant.
Genome position (GRCh38, 1-based): chr6:32,589,716, G>C on the plus strand (C>G on the coding strand, the complement: HLA-DRB1 is on the minus strand). VCF-style: chr6-32589716-G-C. GRCh37 (hg19) VCF-style: chr6-32557493-G-C.
Identifiers: ClinVar variation 4872437 (VCV004872437.2).

ClinVar aggregate classification (germline): Likely benign (1 of 4 stars; one submission).

Submission:

CeGaT Center for Human Genetics Tuebingen
Classification: Likely benign. Last evaluated: 2026-08-01. Review status: criteria provided, single submitter. Criteria: CeGaT Center For Human Genetics Tuebingen Variant Classification Criteria Version 2. Collection method: clinical testing. Allele origin: germline. Affected: yes. Observed: 2 variant alleles.
Comment: HLA-DRB1: BP4, BP7